The following is an entry in ClinVar:

NM_000492.4(CFTR):c.89dup (p.Arg31fs)

Gene: CFTR (CF transmembrane conductance regulator; plus strand). Cytogenetic location: 7q31.2.
Variant type: Duplication.
Coding change: c.89dup on transcript NM_000492.4 (MANE Select); coding-DNA position 89, one base duplicated (A; older notation c.89dupA).
Protein change: p.Arg31fs; shifts the reading frame from arginine 31.
Molecular consequence: frameshift variant.
Genome position (GRCh38, 1-based): chr7:117,504,288, A duplicated. VCF-style (leftmost placement, unchanged base first): chr7-117504287-C-CA. GRCh37 (hg19) VCF-style: chr7-117144341-C-CA.
Other names: short protein forms R31fs.
Identifiers: ClinVar variation 1048778 (VCV001048778.1), dbSNP rs2116635157, ClinGen allele CA2499218677.

ClinVar aggregate classification (germline): Pathogenic (1 of 4 stars; one submission).

Conditions:
Cystic fibrosis (CF). Also called: MUCOVISCIDOSIS. Identifiers: Orphanet 586, MedGen C0010674, MONDO:0009061, OMIM 219700. Disease mechanism: loss of function.

Submission:

Johns Hopkins Genomics, Johns Hopkins University
Classification: Pathogenic for Cystic fibrosis. Last evaluated: 2021-02-10. Review status: criteria provided, single submitter. Criteria: ACMG Guidelines, 2015. Collection method: clinical testing. Allele origin: germline.
Comment: This CFTR variant is absent from a large population dataset and has not been reported in ClinVar nor the literature, to our knowledge. This single nucleotide duplication is predicted to lead to a premature stop codon in exon 2 of 27 likely leading to nonsense-mediated decay and lack of protein production. We consider c.89dupA to be pathogenic.